The following is an entry in ClinVar:

ClinVar aggregate classification (germline): Uncertain significance (1 of 4 stars; one submission).

Conditions:
Trichorhinophalangeal dysplasia type I (TRPS1). Also called: TRICHORHINOPHALANGEAL SYNDROME, TYPE I; TRPS I. Identifiers: Orphanet 77258, MedGen C0432233, MONDO:0008596, OMIM 190350.
Trichorhinophalangeal syndrome, type III (TRPS3). Also called: SUGIO-KAJII SYNDROME. Identifiers: Orphanet 77258, MedGen C1860823, OMIM 190351, MONDO:0008597.

Submission:

Labcorp Genetics (formerly Invitae), Labcorp
Classification: Uncertain significance for Trichorhinophalangeal syndrome, type III; Trichorhinophalangeal dysplasia type I. Last evaluated: 2024-06-19. Review status: criteria provided, single submitter. Criteria: Invitae Variant Classification Sherloc (09022015). Collection method: clinical testing. Allele origin: germline.
Comment: This sequence change replaces serine, which is neutral and polar, with alanine, which is neutral and non-polar, at codon 1167 of the TRPS1 protein (p.Ser1167Ala). This variant is not present in population databases (gnomAD no frequency). This variant has not been reported in the literature in individuals affected with TRPS1-related conditions. Advanced modeling of protein sequence and biophysical properties (such as structural, functional, and spatial information, amino acid conservation, physicochemical variation, residue mobility, and thermodynamic stability) has been performed at Invitae for this missense variant, however the output from this modeling did not meet the statistical confidence thresholds required to predict the impact of this variant on TRPS1 protein function. In summary, the available evidence is currently insufficient to determine the role of this variant in disease. Therefore, it has been classified as a Variant of Uncertain Significance.

NM_014112.5(TRPS1):c.3499T>G (p.Ser1167Ala)

Gene: TRPS1 (transcriptional repressor GATA binding 1; minus strand). Cytogenetic location: 8q23.3.
Variant type: single nucleotide variant.
Coding change: c.3499T>G on transcript NM_014112.5 (MANE Select); coding-DNA position 3499, T replaced by G.
Protein change: p.Ser1167Ala; replaces serine 1167 with alanine.
Molecular consequence: missense variant.
Genome position (GRCh38, 1-based): chr8:115,414,409, A>C on the plus strand (T>G on the coding strand, the complement: TRPS1 is on the minus strand). VCF-style: chr8-115414409-A-C. GRCh37 (hg19) VCF-style: chr8-116426637-A-C.
Other names: c.3472T>G, p.Ser1158Ala (NM_001282902.3); c.3478T>G, p.Ser1160Ala (NM_001282903.3); c.3460T>G, p.Ser1154Ala (NM_001330599.2); short protein forms S1154A, S1158A, S1160A, S1167A.
Identifiers: ClinVar variation 3760748 (VCV003760748.2).